The following is an entry in ClinVar:

NM_153704.6(TMEM67):c.653G>C (p.Gly218Ala)

Gene: TMEM67 (transmembrane protein 67; plus strand). Cytogenetic location: 8q22.1.
Variant type: single nucleotide variant.
Coding change: c.653G>C on transcript NM_153704.6 (MANE Select); coding-DNA position 653, G replaced by C.
Protein change: p.Gly218Ala; replaces glycine 218 with alanine.
Molecular consequence: missense variant. On other transcripts: non-coding transcript variant (1).
Genome position (GRCh38, 1-based): chr8:93,772,590, G>C. VCF-style: chr8-93772590-G-C. GRCh37 (hg19) VCF-style: chr8-94784818-G-C.
Other names: c.410G>C, p.Gly137Ala (NM_001142301.1); short protein forms G137A, G218A.
Identifiers: ClinVar variation 449519 (VCV000449519.46), dbSNP rs202036490, ClinGen allele CA4807740.

ClinVar aggregate classification (germline): Uncertain significance. Review status: criteria provided, multiple submitters, no conflicts (2 of 4 stars). 15 submissions from 13 submitters: Uncertain significance (15). Last evaluated 2026-05-08.

Conditions:
RHYNS syndrome. Also called: RETINITIS PIGMENTOSA SYNDROME; RETINITIS PIGMENTOSA, HYPOPITUITARISM, NEPHRONOPHTHISIS, AND MILD SKELETAL DYSPLASIA. Identifiers: Orphanet 140976, MedGen C1865794, MONDO:0011202, OMIM 602152.
Nephronophthisis 11 (NPHP11). Identifiers: Orphanet 84081, MedGen C3150796, MONDO:0013302, OMIM 613550.
Meckel syndrome, type 3 (MKS3). Also called: MECKEL-GRUBER SYNDROME, TYPE 3. Identifiers: Orphanet 564, MedGen C1846357, MONDO:0011821, OMIM 607361.
Joubert syndrome 6 (JBTS6). Identifiers: Orphanet 475, MedGen C1853153, MONDO:0012539, OMIM 610688.
COACH syndrome 1. Identifiers: Orphanet 1454, MedGen C5435651, MONDO:0800103, OMIM 216360, MONDO:0008996.
Bardet-Biedl syndrome 14 (BBS14). Identifiers: Orphanet 110, MedGen C2673874, MONDO:0014442, OMIM 615991.
TMEM67-related disorder. Also called: TMEM67-related disorders; TMEM67-related condition. Identifiers: MedGen CN239423.
Joubert syndrome. Also called: JOUBERT-BOLTSHAUSER SYNDROME; Familial aplasia of the vermis. Identifiers: Orphanet 475, MedGen C5979921, MONDO:0018772.
Meckel-Gruber syndrome. Also called: GRUBER SYNDROME; Dysencephalia splachnocystica; DYSENCEPHALIA SPLANCHNOCYSTICA. Identifiers: Orphanet 564, MedGen C0265215, MONDO:0018921.

Allele frequency attached by ClinVar (database versions not stated): gnomAD 0.00006; TOPMed 0.00014; 1000 Genomes Project 30x 0.00016; 1000 Genomes Project 0.00020.
gnomAD v4.1: 259 of 1,610,878 alleles (0.016%); highest among the groups gnomAD compares: Middle Eastern, 0.099%; 1 homozygote.

Submissions (15):

PreventionGenetics, part of Exact Sciences
Classification: Uncertain significance for TMEM67-related condition. Last evaluated: 2026-05-08. Review status: criteria provided, single submitter. Criteria: ACMG Guidelines, 2015. Collection method: clinical testing. Allele origin: germline.
Comment: The TMEM67 c.653G>C variant is predicted to result in the amino acid substitution p.Gly218Ala. This variant has been reported in a patient with Bardet-Biedl syndrome who also carried a homozygous CEP290 nonsense variant (Leitch et al. 2008. PubMed ID: 18327255). This variant is reported in 0.026% of alleles in individuals of European (Non-Finnish) descent in gnomAD. At this time, the clinical significance of this variant is uncertain due to the absence of conclusive functional and genetic evidence.

Blueprint Genetics
Classification: Uncertain significance. Last evaluated: 2024-10-21. Review status: criteria provided, single submitter. Criteria: ACMG Guidelines, 2015. Collection method: clinical testing. Allele origin: germline.

Genomic Medicine Center of Excellence, King Faisal Specialist Hospital and Research Centre
Classification: Uncertain significance for COACH syndrome 1. Last evaluated: 2024-03-29. Review status: criteria provided, single submitter. Criteria: ACMG Guidelines, 2015. Collection method: clinical testing. Allele origin: germline.

Fulgent Genetics
Classification: Uncertain significance for COACH syndrome 1; RHYNS syndrome; Meckel syndrome, type 3; Joubert syndrome 6; Nephronophthisis 11; Bardet-Biedl syndrome 14. Last evaluated: 2024-01-06. Review status: criteria provided, single submitter. Criteria: ACMG Guidelines, 2015. Collection method: clinical testing. Allele origin: germline.

Women's Health and Genetics/Laboratory Corporation of America, LabCorp
Classification: Uncertain significance. Last evaluated: 2023-12-15. Review status: criteria provided, single submitter. Criteria: LabCorp Variant Classification Summary - May 2015. Collection method: clinical testing. Allele origin: germline.
Comment: Variant summary: TMEM67 c.653G>C (p.Gly218Ala) results in a non-conservative amino acid change in the encoded protein sequence. Three of five in-silico tools predict a damaging effect of the variant on protein function. The variant allele was found at a frequency of 0.00016 in 250962 control chromosomes. This frequency is not significantly higher than estimated for a pathogenic variant in TMEM67 causing Joubert Syndrome And Related Disorders (0.00016 vs 0.0018), allowing no conclusion about variant significance. c.653G>C has been reported in the literature in at-least one individual affected with Bardet-Biedel syndrome who harbored a different homozygous variant (p.Glu1903*) in the CEP290 gene (Leitch_2008). Of note, this variant was reported in cis with another variant p.Ser320Cys in the MKS3 gene (MKS3 is the legacy gene name for TMEM67). The authors reported this variant as a "mildly hypomorphic" variant by live embryo analysis. The exact in-vivo implications of these findings are unclear.These report(s) do not provide unequivocal conclusions about association of the variant with Joubert Syndrome And Related Disorders. To our knowledge, no experimental evidence demonstrating an impact on protein function has been reported. Eight submitters have cited clinical-significance assessments for this variant to ClinVar after 2014. All submitters classified the variant as uncertain significance. Based on the evidence outlined above, the variant was classified as uncertain significance.

CeGaT Center for Human Genetics Tuebingen
Classification: Uncertain significance. Last evaluated: 2023-10-01. Review status: criteria provided, single submitter. Criteria: CeGaT Center For Human Genetics Tuebingen Variant Classification Criteria Version 2. Collection method: clinical testing. Allele origin: germline. Affected: yes. Observed: 2 variant alleles.

GeneDx
Classification: Uncertain significance. Last evaluated: 2023-03-31. Review status: criteria provided, single submitter. Criteria: GeneDx Variant Classification Process June 2021. Collection method: clinical testing. Allele origin: germline. Affected: yes.
Comment: Observed in an individual in published literature who was also found to have another TMEM67 variant (S320C) on the same allele (in cis), and had a different genetic etiology for the phenotype (Leitch et al., 2008); In silico analysis supports that this missense variant does not alter protein structure/function; This variant is associated with the following publications: (PMID: 20690115, 19574260, 18327255, 34426522)

Labcorp Genetics (formerly Invitae), Labcorp
Classification: Uncertain significance for Joubert syndrome; Meckel-Gruber syndrome. Last evaluated: 2022-09-27. Review status: criteria provided, single submitter. Criteria: Invitae Variant Classification Sherloc (09022015). Collection method: clinical testing. Allele origin: germline.
Comment: This sequence change replaces glycine, which is neutral and non-polar, with alanine, which is neutral and non-polar, at codon 218 of the TMEM67 protein (p.Gly218Ala). This variant is present in population databases (rs202036490, gnomAD 0.02%). This missense change has been observed in individual(s) with TMEM67-related condtions (PMID: 18327255, 19574260). ClinVar contains an entry for this variant (Variation ID: 449519). Algorithms developed to predict the effect of missense changes on protein structure and function are either unavailable or do not agree on the potential impact of this missense change (SIFT: "Tolerated"; PolyPhen-2: "Possibly Damaging"; Align-GVGD: "Class C0"). Experimental studies have shown that this missense change affects TMEM67 function (PMID: 18327255). In summary, the available evidence is currently insufficient to determine the role of this variant in disease. Therefore, it has been classified as a Variant of Uncertain Significance.

Department of Pathology and Laboratory Medicine, Sinai Health System
Classification: Uncertain significance for COACH syndrome 1; RHYNS syndrome; Meckel syndrome, type 3; Joubert syndrome 6; Nephronophthisis 11; Bardet-Biedl syndrome 14. Last evaluated: 2020-08-20. Review status: criteria provided, single submitter. Criteria: ACMG Guidelines, 2015. Collection method: research. Allele origin: germline.

Baylor Genetics
Classification: Uncertain significance for COACH syndrome 1. Last evaluated: 2019-12-26. Review status: criteria provided, single submitter. Criteria: ACMG Guidelines, 2015. Collection method: clinical testing. Allele origin: unknown. Affected: yes.
Comment: This variant was determined to be of uncertain significance according to ACMG Guidelines, 2015 [PMID:25741868].

Centre for Mendelian Genomics, University Medical Centre Ljubljana
Classification: Uncertain significance for RHYNS syndrome. Last evaluated: 2019-10-02. Review status: criteria provided, single submitter. Criteria: ACMG Guidelines, 2015. Collection method: clinical testing. Allele origin: unknown. Affected: yes.
Comment: This variant was classified as: Uncertain significance. The available evidence on this variant's pathogenicity is insufficient or conflicting. The following ACMG criteria were applied in classifying this variant: PP3.

Institute of Human Genetics, University of Leipzig Medical Center
Classification: Uncertain significance for Meckel syndrome, type 3. Last evaluated: 2019-01-01. Review status: criteria provided, single submitter. Criteria: ACMG Guidelines, 2015. Collection method: clinical testing. Allele origin: unknown. Affected: no.

Illumina Laboratory Services, Illumina
Classification: Uncertain significance for Nephronophthisis 11. Last evaluated: 2017-04-28. Review status: criteria provided, single submitter. Criteria: ICSL Variant Classification Criteria 13 December 2019. Collection method: clinical testing. Allele origin: germline.

Illumina Laboratory Services, Illumina
Classification: Uncertain significance for Joubert syndrome 6. Last evaluated: 2017-04-28. Review status: criteria provided, single submitter. Criteria: ICSL Variant Classification Criteria 13 December 2019. Collection method: clinical testing. Allele origin: germline.

Illumina Laboratory Services, Illumina
Classification: Uncertain significance for Meckel syndrome, type 3. Last evaluated: 2017-04-28. Review status: criteria provided, single submitter. Criteria: ICSL Variant Classification Criteria 13 December 2019. Collection method: clinical testing. Allele origin: germline.

Literature cited by the submitters: PubMed 19574260 (cited by Women's Health and Genetics/Laboratory Corporation of America, LabCorp and Labcorp Genetics (formerly Invitae), Labcorp); PubMed 18327255 (cited by Women's Health and Genetics/Laboratory Corporation of America, LabCorp and Labcorp Genetics (formerly Invitae), Labcorp); PubMed 30476936 (cited by Women's Health and Genetics/Laboratory Corporation of America, LabCorp).